The following is an entry in ClinVar:

ClinVar aggregate classification (germline): Pathogenic (1 of 4 stars; one submission).

Conditions:
Fanconi anemia (FA). Also called: Fanconi's anemia. Identifiers: Orphanet 84, MedGen C0015625, MeSH D005199, MONDO:0019391.

Submission:

Labcorp Genetics (formerly Invitae), Labcorp
Classification: Pathogenic for Fanconi anemia. Last evaluated: 2026-01-16. Review status: criteria provided, single submitter. Criteria: Invitae Variant Classification Sherloc (09022015). Collection method: clinical testing. Allele origin: germline.
Comment: This sequence change creates a premature translational stop signal (p.Glu1183*) in the SLX4 gene. It is expected to result in an absent or disrupted protein product. Loss-of-function variants in SLX4 are known to be pathogenic (PMID: 21240277). This variant is present in population databases (no rsID available, gnomAD 0.006%). This variant has not been reported in the literature in individuals affected with SLX4-related conditions. For these reasons, this variant has been classified as Pathogenic.

Literature cited by the submitters: PubMed 21240277.

NM_032444.4(SLX4):c.3547G>T (p.Glu1183Ter)

Gene: SLX4 (SLX4 structure-specific endonuclease subunit; minus strand). Cytogenetic location: 16p13.3.
Variant type: single nucleotide variant.
Coding change: c.3547G>T on transcript NM_032444.4 (MANE Select); coding-DNA position 3547, G replaced by T.
Protein change: p.Glu1183Ter; replaces glutamic acid 1183 with a stop codon.
Molecular consequence: nonsense.
Genome position (GRCh38, 1-based): chr16:3,590,091, C>A on the plus strand (G>T on the coding strand, the complement: SLX4 is on the minus strand). VCF-style: chr16-3590091-C-A. GRCh37 (hg19) VCF-style: chr16-3640092-C-A.
Other names: short protein forms E1183*.
Identifiers: ClinVar variation 4735462 (VCV004735462.1).